The following is an entry in ClinVar:

NM_001287491.2(TET3):c.4818C>G (p.Phe1606Leu)

Gene: TET3 (tet methylcytosine dioxygenase 3; plus strand). Cytogenetic location: 2p13.1.
Variant type: single nucleotide variant.
Coding change: c.4818C>G on transcript NM_001287491.2 (MANE Select); coding-DNA position 4818, C replaced by G.
Protein change: p.Phe1606Leu; replaces phenylalanine 1606 with leucine.
Molecular consequence: missense variant.
Genome position (GRCh38, 1-based): chr2:74,101,606, C>G. VCF-style: chr2-74101606-C-G. GRCh37 (hg19) VCF-style: chr2-74328733-C-G.
Other names: c.4539C>G, p.Phe1513Leu (NM_001366022.1); short protein forms F1513L, F1606L.
Identifiers: ClinVar variation 3372038 (VCV003372038.1).

ClinVar aggregate classification (germline): Uncertain significance (1 of 4 stars; one submission).

Submission:

GeneDx
Classification: Uncertain significance. Last evaluated: 2024-04-09. Review status: criteria provided, single submitter. Criteria: GeneDx Variant Classification Process June 2021. Collection method: clinical testing. Allele origin: germline. Affected: yes.
Comment: Not observed at significant frequency in large population cohorts (gnomAD); In silico analysis indicates that this missense variant does not alter protein structure/function; Has not been previously published as pathogenic or benign to our knowledge